The following is an entry in ClinVar:

ClinVar aggregate classification (germline): Uncertain significance (1 of 4 stars; one submission).

Conditions:
MELAS syndrome (MELAS). Also called: Juvenile myopathy, encephalopathy, lactic acidosis, stroke. Identifiers: Orphanet 550, MedGen C0162671, MONDO:0010789, OMIM 540000.

Submission:

Wong Mito Lab, Molecular and Human Genetics, Baylor College of Medicine
Classification: Uncertain significance for MELAS syndrome. Last evaluated: 2019-07-12. Review status: criteria provided, single submitter. Criteria: Modified ACMG Guidelines (Unpublished). Collection method: clinical testing. Allele origin: germline.
Comment: The NC_012920.1:m.1658T>C variant in MT-TV gene is interpreted to be a Unknown Significance variant based on the modified ACMG guidelines (unpublished). This variant meets the following evidence codes reported in the guidelines: BP6

Literature cited by the submitters: PubMed 31965079.

NC_012920.1(MT-TV):m.1658T>C

Gene: MT-TV (mitochondrially encoded tRNA valine; plus strand).
Variant type: single nucleotide variant.
Genome position: chrM-1658-T-C.
Identifiers: ClinVar variation 689851 (VCV000689851.1), dbSNP rs1603218607, ClinGen allele CA913163443.